The following is an entry in ClinVar:

NM_000361.3(THBD):c.937G>C (p.Gly313Arg)

Gene: THBD (thrombomodulin; minus strand). Cytogenetic location: 20p11.21.
Variant type: single nucleotide variant.
Coding change: c.937G>C on transcript NM_000361.3 (MANE Select); coding-DNA position 937, G replaced by C.
Protein change: p.Gly313Arg; replaces glycine 313 with arginine.
Molecular consequence: missense variant.
Genome position (GRCh38, 1-based): chr20:23,048,568, C>G on the plus strand (G>C on the coding strand, the complement: THBD is on the minus strand). VCF-style: chr20-23048568-C-G. GRCh37 (hg19) VCF-style: chr20-23029205-C-G.
Other names: short protein forms G313R.
Identifiers: ClinVar variation 4280579 (VCV004280579.1).

ClinVar aggregate classification (germline): Uncertain significance (1 of 4 stars; one submission).

Conditions:
Thrombomodulin-related bleeding disorder (THPH12). Also called: Thrombophilia due to thrombomodulin defect. Identifiers: Orphanet 436169, MedGen C3280976, MONDO:0013775, OMIM 614486.

Submission:

Genomenon, Inc
Classification: Uncertain significance for Thrombomodulin-related bleeding disorder. Last evaluated: 2025-09-22. Review status: criteria provided, single submitter. Criteria: Genomenon Sequence Variant Interpretation Standards - Updated. Collection method: curation. Allele origin: germline. Affected: no.
Comment: THBD p.Gly313Arg (c.937G>C) is a missense variant that changes the amino acid at residue 313 from Glycine to Arginine. This variant has been reported in the published literature (PMID:34970867). It is absent or not present at a significant frequency in gnomAD. In silico models agree that this variant is possibly or probably damaging. In conclusion, we classify THBD p.Gly313Arg (c.937G>C) as a variant of unknown significance.

Literature cited by the submitters: PubMed 34970867.